The following is an entry in ClinVar:

NM_181426.2(CCDC39):c.1167+205del

Gene: CCDC39 (coiled-coil domain 39 molecular ruler complex subunit; minus strand). Cytogenetic location: 3q26.33.
Variant type: Deletion.
Coding change: c.1167+205del on transcript NM_181426.2 (MANE Select); 205 bases into the intron after coding-DNA position 1167, one base deleted (T; older notation c.1167+205delT).
Molecular consequence: intron variant.
Genome position (GRCh38, 1-based): chr3:180,651,196, A deleted on the plus strand (T on the coding strand, the reverse complement: CCDC39 is on the minus strand); the first of 9 consecutive A bases (chr3:180,651,196-180,651,204); deleting any one gives the same sequence. VCF-style (leftmost placement, unchanged base first): chr3-180651195-CA-C. GRCh37 (hg19) VCF-style: chr3-180368983-CA-C.
Identifiers: ClinVar variation 1707261 (VCV001707261.2), dbSNP rs376361511, ClinGen allele CA88631767.
Genomic context (GRCh38, chr3:180,651,195, plus strand): 5'-CAGTGAGCCAAGATCTCGCCATTGCACTTTAGCCTGGGCAACAAGAGCCAGACTTCATCA[CA>C]AAAAAAAAGAAAAAAGAGAGAGGAGACTGAGAATAACTTCAGAAGCAATGCATGAGAAGA-3'

ClinVar aggregate classification (germline): Likely benign (1 of 4 stars; one submission).

Submission:

GeneDx
Classification: Likely benign. Last evaluated: 2020-01-16. Review status: criteria provided, single submitter. Criteria: GeneDx Variant Classification Process June 2021. Collection method: clinical testing. Allele origin: germline. Affected: yes.
Comment: See Variant Classification Assertion Criteria.